The following is an entry in ClinVar:

NM_025137.4(SPG11):c.3930_3932del (p.Thr1312del)

Gene: SPG11 (SPG11 vesicle trafficking associated, spatacsin; minus strand). Cytogenetic location: 15q21.1.
Variant type: Deletion.
Coding change: c.3930_3932del on transcript NM_025137.4 (MANE Select); coding-DNA positions 3930 to 3932, 3 bases deleted (AAC; older notation c.3930_3932delAAC).
Protein change: p.Thr1312del; deletes threonine 1312.
Molecular consequence: inframe deletion.
Genome position (GRCh38, 1-based): chr15:44,598,334-44,598,336, GTT deleted on the plus strand (AAC on the coding strand, the reverse complement: SPG11 is on the minus strand); deleting any 3 consecutive bases within chr15:44,598,334-44,598,338 gives the same sequence; the c. name uses the placement nearest the transcript's 3' end. VCF-style (leftmost placement, unchanged base first): chr15-44598333-GGTT-G. GRCh37 (hg19) VCF-style: chr15-44890531-GGTT-G.
Other names: c.3930_3932del, p.Thr1312del (NM_001160227.2); c.3930_3932del (NM_025137.3); short protein forms T1312del.
Identifiers: ClinVar variation 534911 (VCV000534911.12), dbSNP rs759504944, ClinGen allele CA7534814.

ClinVar aggregate classification (germline): Likely benign. Review status: criteria provided, multiple submitters, no conflicts (2 of 4 stars). 2 submissions from 2 submitters: Likely benign (2). Last evaluated 2026-07-15.

Conditions:
Hereditary spastic paraplegia 11. Also called: Spastic Paraplegia 11; Spastic paraplegia, mental retardation and thin corpus callosum; Nakamura Osame syndrome; Autosomal recessive hereditary spastic paraplegia, mental impairment, and thin corpus callosum; SPASTIC PARAPLEGIA, AUTOSOMAL RECESSIVE, COMPLICATED, WITH THIN CORPUS CALLOSUM; SPASTIC PARAPLEGIA, AUTOSOMAL RECESSIVE, WITH MENTAL IMPAIRMENT AND THIN CORPUS CALLOSUM. Identifiers: Orphanet 2822, MedGen C1858479, MONDO:0011445, OMIM 604360.
SPG11-related disorder. Also called: SPG11-related condition.

Submissions (2):

PreventionGenetics, part of Exact Sciences
Classification: Likely benign for SPG11-related condition. Last evaluated: 2026-07-15. Review status: criteria provided, single submitter. Criteria: ACMG Guidelines, 2015. Collection method: clinical testing. Allele origin: germline.
Comment: This variant is classified as likely benign based on ACMG/AMP sequence variant interpretation guidelines (Richards et al. 2015 PMID: 25741868, with internal and published modifications).

Labcorp Genetics (formerly Invitae), Labcorp
Classification: Likely benign for Hereditary spastic paraplegia 11. Last evaluated: 2026-01-28. Review status: criteria provided, single submitter. Criteria: Invitae Variant Classification Sherloc (09022015). Collection method: clinical testing. Allele origin: germline.